The following is an entry in ClinVar:

NM_016148.5(SHANK1):c.3544_3561del (p.Pro1182_Pro1187del)

Gene: SHANK1 (SH3 and multiple ankyrin repeat domains 1; minus strand). Cytogenetic location: 19q13.33.
Variant type: Deletion.
Coding change: c.3544_3561del on transcript NM_016148.5 (MANE Select); coding-DNA positions 3544 to 3561, 18 bases deleted (CCCACCCAGCCGGAGCCC).
Protein change: p.Pro1182_Pro1187del.
Molecular consequence: inframe deletion.
Genome position (GRCh38, 1-based): chr19:50,668,399-50,668,416, GGGCTCCGGCTGGGTGGG deleted on the plus strand (CCCACCCAGCCGGAGCCC on the coding strand, the reverse complement: SHANK1 is on the minus strand); deleting any 18 consecutive bases within chr19:50,668,399-50,668,424 gives the same sequence; the c. name uses the placement nearest the transcript's 3' end. VCF-style (leftmost placement, unchanged base first): chr19-50668398-TGGGCTCCGGCTGGGTGGG-T. GRCh37 (hg19) VCF-style: chr19-51171655-TGGGCTCCGGCTGGGTGGG-T.
Identifiers: ClinVar variation 5016989 (VCV005016989.1).

ClinVar aggregate classification (germline): Uncertain significance (1 of 4 stars; one submission).

Submission:

GeneDx
Classification: Uncertain significance. Last evaluated: 2026-03-24. Review status: criteria provided, single submitter. Criteria: GeneDx Variant Classification Process June 2021. Collection method: clinical testing. Allele origin: germline.
Comment: Not observed at significant frequency in large population cohorts (gnomAD); In-frame deletion of 6 amino acid(s) in a non-repeat region; In silico analysis suggests that this variant does not alter protein structure/function; Has not been previously published as pathogenic or benign to our knowledge